The following is an entry in ClinVar:

NM_024577.4(SH3TC2):c.*14750A>G

Gene: SH3TC2 (SH3 domain and tetratricopeptide repeats 2; minus strand). Cytogenetic location: 5q32.
Variant type: single nucleotide variant.
Coding change: c.*14750A>G on transcript NM_024577.4 (MANE Select); 14750 bases downstream of the stop codon, A replaced by G.
Molecular consequence: 3 prime UTR variant.
Genome position (GRCh38, 1-based): chr5:148,989,961, T>C on the plus strand (A>G on the coding strand, the complement: SH3TC2 is on the minus strand). VCF-style: chr5-148989961-T-C. GRCh37 (hg19) VCF-style: chr5-148369524-T-C.
Identifiers: ClinVar variation 906193 (VCV000906193.5), dbSNP rs149133999, ClinGen allele CA128987302.

ClinVar aggregate classification (germline): Benign/Likely benign. Review status: criteria provided, multiple submitters, no conflicts (2 of 4 stars). 3 submissions from 2 submitters: Benign (2); Likely benign (1). Last evaluated 2021-10-23.

Conditions:
Susceptibility to mononeuropathy of the median nerve, mild. Also called: CARPAL TUNNEL SYNDROME, SUSCEPTIBILITY TO. Identifiers: MedGen C3150596, MONDO:0013237, OMIM 613353.
Charcot-Marie-Tooth disease type 4C (CMT4C). Also called: CHARCOT-MARIE-TOOTH DISEASE, DEMYELINATING, TYPE 4C; SH3TC2-Related Hereditary Motor and Sensory Neuropathy; Charcot-Marie-Tooth Neuropathy Type 4C (CMT4C); CHARCOT-MARIE-TOOTH DISEASE, DEMYELINATING, AUTOSOMAL RECESSIVE, TYPE 4C; CMT 4C. Identifiers: Orphanet 99949, MedGen C1866636, MONDO:0011113, OMIM 601596.

Allele frequency attached by ClinVar (database versions not stated): 1000 Genomes Project 0.01158; gnomAD 0.01211 and 0.01302; 1000 Genomes Project 30x 0.01218; TOPMed 0.01391.
gnomAD v4.1: 1,826 of 152,264 alleles (1.2%); highest among the groups gnomAD compares: African/African-American, 4.2%; 36 homozygotes.

Submissions (3):

GeneDx
Classification: Likely benign. Last evaluated: 2021-10-23. Review status: criteria provided, single submitter. Criteria: GeneDx Variant Classification Process June 2021. Collection method: clinical testing. Allele origin: germline. Affected: yes.
Comment: See Variant Classification Assertion Criteria.

Illumina Laboratory Services, Illumina
Classification: Benign for Susceptibility to mononeuropathy of the median nerve, mild. Last evaluated: 2018-01-12. Review status: criteria provided, single submitter. Criteria: ICSL Variant Classification Criteria 13 December 2019. Collection method: clinical testing. Allele origin: germline.
Comment: This variant was observed in the ICSL laboratory as part of a predisposition screen in an ostensibly healthy population. It had not been previously curated by ICSL or reported in the Human Gene Mutation Database (HGMD: prior to June 1st, 2018), and was therefore a candidate for classification through an automated scoring system. Utilizing variant allele frequency, disease prevalence and penetrance estimates, and inheritance mode, an automated score was calculated to assess if this variant is too frequent to cause the disease. Based on the score and internal cut-off values, a variant classified as benign is not then subjected to further curation. The score for this variant resulted in a classification of benign for this disease.

Illumina Laboratory Services, Illumina
Classification: Benign for Charcot-Marie-Tooth disease type 4C. Last evaluated: 2018-01-12. Review status: criteria provided, single submitter. Criteria: ICSL Variant Classification Criteria 13 December 2019. Collection method: clinical testing. Allele origin: germline.
Comment: the same text as in the submission from Illumina Laboratory Services, Illumina above.